The following is an entry in ClinVar:

ClinVar aggregate classification (germline): Likely benign (0 of 4 stars; one submission).

Conditions:
SOS2-related disorder. Also called: SOS2-related condition.

Submission:

PreventionGenetics, part of Exact Sciences
Classification: Likely benign for SOS2-related condition. Last evaluated: 2020-08-10. Review status: no assertion criteria provided. Collection method: clinical testing. Allele origin: germline.
Comment: This variant is classified as likely benign based on ACMG/AMP sequence variant interpretation guidelines (Richards et al. 2015 PMID: 25741868, with internal and published modifications).

NM_006939.4(SOS2):c.2790A>T (p.Ile930=)

Gene: SOS2 (SOS Ras/Rho guanine nucleotide exchange factor 2; minus strand). Cytogenetic location: 14q21.3.
Variant type: single nucleotide variant.
Coding change: c.2790A>T on transcript NM_006939.4 (MANE Select); coding-DNA position 2790, A replaced by T.
Protein change: p.Ile930=; no amino-acid change (isoleucine 930 retained).
Molecular consequence: synonymous variant.
Genome position (GRCh38, 1-based): chr14:50,138,780, T>A on the plus strand (A>T on the coding strand, the complement: SOS2 is on the minus strand). VCF-style: chr14-50138780-T-A. GRCh37 (hg19) VCF-style: chr14-50605498-T-A.
Other names: c.2691A>T, p.Ile897= (NM_001411020.1).
Identifiers: ClinVar variation 3032558 (VCV003032558.2), dbSNP rs369718243, ClinGen allele CA486174459.
Genomic context (GRCh38, chr14:50,138,780, plus strand): 5'-CCCTTTCTTTTTTAAAAAATCATTATTCCCTTCTTCGGTCTTCAGAATATTTGTTAAATA[T>A]ATTCCTAGTAAAAAAAAAAAAAGAATTTAAAGAAAAGTTATTTTAAATTTTGTTATTTAA-3'
Protein context (NP_008870.2, residues 920-940): INPPCVPFFG[Ile930=]YLTNILKTEE